The following is an entry in ClinVar:

NM_080680.3(COL11A2):c.4348G>A (p.Gly1450Arg)

Gene: COL11A2 (collagen type XI alpha 2 chain; minus strand). Cytogenetic location: 6p21.32.
Variant type: single nucleotide variant.
Coding change: c.4348G>A on transcript NM_080680.3 (MANE Select); coding-DNA position 4348, G replaced by A.
Protein change: p.Gly1450Arg; replaces glycine 1450 with arginine.
Molecular consequence: missense variant.
Genome position (GRCh38, 1-based): chr6:33,166,557, C>T on the plus strand (G>A on the coding strand, the complement: COL11A2 is on the minus strand). VCF-style: chr6-33166557-C-T. GRCh37 (hg19) VCF-style: chr6-33134334-C-T.
Other names: c.4168G>A, p.Gly1390Arg (NM_001424108.1); c.3502G>A, p.Gly1168Arg (NM_001424109.1); c.3322G>A, p.Gly1108Arg (NM_001424110.1, NM_001424111.1); c.2302G>A, p.Gly768Arg (NM_001424112.1); c.4027G>A, p.Gly1343Arg (NM_080679.3); c.4090G>A, p.Gly1364Arg (NM_080681.3); short protein forms G1108R, G1168R, G1343R, G1364R, G1390R, G1450R, G768R.
Identifiers: ClinVar variation 2662164 (VCV002662164.1), dbSNP rs2534516262, ClinGen allele CA363620250.

ClinVar aggregate classification (germline): Uncertain significance (1 of 4 stars; one submission).

Submission:

GeneDx
Classification: Uncertain significance. Last evaluated: 2023-04-20. Review status: criteria provided, single submitter. Criteria: GeneDx Variant Classification Process June 2021. Collection method: clinical testing. Allele origin: germline. Affected: yes.
Comment: Not observed at significant frequency in large population cohorts (gnomAD); In silico analysis supports that this missense variant has a deleterious effect on protein structure/function; Has not been previously published as pathogenic or benign to our knowledge